The following is an entry in ClinVar:

ClinVar aggregate classification (germline): Uncertain significance (1 of 4 stars; one submission).

Conditions:
Developmental and epileptic encephalopathy, 11 (DEE11). Also called: Early infantile epileptic encephalopathy 11. Identifiers: Orphanet 1934, MedGen C3150987, MONDO:0013388, OMIM 613721.
Seizures, benign familial infantile, 3 (BFIS3). Also called: CONVULSIONS, BENIGN FAMILIAL INFANTILE, 3; Familial neonatal seizures. Identifiers: Orphanet 140927, Orphanet 306, MedGen C1843140, MONDO:0011904, OMIM 607745.

Submission:

Labcorp Genetics (formerly Invitae), Labcorp
Classification: Uncertain significance for Seizures, benign familial infantile, 3; Developmental and epileptic encephalopathy, 11. Last evaluated: 2025-09-27. Review status: criteria provided, single submitter. Criteria: Invitae Variant Classification Sherloc (09022015). Collection method: clinical testing. Allele origin: germline.
Comment: This sequence change replaces proline, which is neutral and non-polar, with threonine, which is neutral and polar, at codon 1167 of the SCN2A protein (p.Pro1167Thr). This variant is not present in population databases (gnomAD no frequency). This variant has not been reported in the literature in individuals affected with SCN2A-related conditions. Invitae Evidence Modeling of protein sequence and biophysical properties (such as structural, functional, and spatial information, amino acid conservation, physicochemical variation, residue mobility, and thermodynamic stability) indicates that this missense variant is expected to disrupt SCN2A protein function with a positive predictive value of 95%. In summary, the available evidence is currently insufficient to determine the role of this variant in disease. Therefore, it has been classified as a Variant of Uncertain Significance.

NM_001040142.2(SCN2A):c.3499C>A (p.Pro1167Thr)

Gene: SCN2A (sodium voltage-gated channel alpha subunit 2; plus strand). Cytogenetic location: 2q24.3.
Variant type: single nucleotide variant.
Coding change: c.3499C>A on transcript NM_001040142.2 (MANE Select); coding-DNA position 3499, C replaced by A.
Protein change: p.Pro1167Thr; replaces proline 1167 with threonine.
Molecular consequence: missense variant.
Genome position (GRCh38, 1-based): chr2:165,365,242, C>A. VCF-style: chr2-165365242-C-A. GRCh37 (hg19) VCF-style: chr2-166221752-C-A.
Other names: c.3499C>A, p.Pro1167Thr (NM_001040143.2, NM_001371246.1, NM_001371247.1 and 1 more transcripts); short protein forms P1167T.
Identifiers: ClinVar variation 4789347 (VCV004789347.1).